The following is an entry in ClinVar:

ClinVar aggregate classification (germline): Likely pathogenic. Review status: criteria provided, multiple submitters, no conflicts (2 of 4 stars). 3 submissions from 3 submitters: Likely pathogenic (2). 1 of the submissions does not count toward it. Last evaluated 2025-03-27.

Conditions:
Tyrosinase-positive oculocutaneous albinism (OCA2). Also called: Albinism, oculocutaneous, type II; Oculocutaneous albinism type 2; ALBINISM II. Identifiers: Orphanet 79432, MedGen C0268495, MONDO:0008746, OMIM 203200.
SKIN/HAIR/EYE PIGMENTATION 1, BLUE/NONBLUE EYES (SHEP1). Also called: EYE COLOR 3; EYE COLOR, BLUE/NONBLUE; EYE COLOR, BROWN/BLUE; HAIR COLOR 3; SKIN/HAIR/EYE PIGMENTATION 1, BLOND/BROWN HAIR; SKIN/HAIR/EYE PIGMENTATION 1, BLUE/BROWN EYES. Identifiers: MedGen C1856895, OMIM 227220.

Submissions (3):

3billion
Classification: Likely pathogenic for Tyrosinase-positive oculocutaneous albinism. Last evaluated: 2025-03-27. Review status: criteria provided, single submitter. Criteria: ACMG Guidelines, 2015. Collection method: clinical testing. Allele origin: germline. Affected: yes.

Laboratory of Genetic Epidemiology, Research Centre for Medical Genetics
Classification: Likely pathogenic for SKIN/HAIR/EYE PIGMENTATION 1, BLUE/NONBLUE EYES; Tyrosinase-positive oculocutaneous albinism. Last evaluated: 2025-01-01. Review status: criteria provided, single submitter. Criteria: ACMG Guidelines, 2015. Collection method: clinical testing. Allele origin: unknown. Inheritance: Autosomal recessive inheritance. Affected: yes. Observed: 1 heterozygote.
Comment: This variant has been previously reported in the literature (PMID: 31229681) and is listed in gnomAD v3.1.2 with allele frequency 0.00002 (3/152120). The affected amino acid position is evolutionarily conserved, and multiple in silico prediction tools support a deleterious effect. We assume that this variant is highly likely to be in trans-position with the nonsense variant NM_000275.3:c.493C>T, p.(Arg165Ter) in proband; therefore, based on the literature (PMID: 30311386), we apply the ACMG pathogenic criterion PM3 Supporting. Taken together, the variant meets the following ACMG/AMP criteria and can be classified as likely pathogenic with PM2, PP3, PM3, PP5, PP4 criteria.

Center of Medical Genetics, Central South University
Classification: Likely pathogenic for Tyrosinase-positive oculocutaneous albinism. Last evaluated: 2019-03-26. Review status: no assertion criteria provided. Criteria: ACMG Guidelines, 2015. Collection method: clinical testing. Allele origin: germline. Affected: yes. Not counted in ClinVar's aggregate classification.

Literature cited by the submitters: PubMed 31229681 (cited by 3billion); PubMed 26165494 (cited by 3billion); PubMed 41428507 (cited by Laboratory of Genetic Epidemiology, Research Centre for Medical Genetics).

NM_000275.3(OCA2):c.1973C>T (p.Ala658Val)

Gene: OCA2 (OCA2 melanosomal transmembrane protein; minus strand). Cytogenetic location: 15q13.1.
Variant type: single nucleotide variant.
Coding change: c.1973C>T on transcript NM_000275.3 (MANE Select); coding-DNA position 1973, C replaced by T.
Protein change: p.Ala658Val; replaces alanine 658 with valine.
Molecular consequence: missense variant.
Genome position (GRCh38, 1-based): chr15:27,926,233, G>A on the plus strand (C>T on the coding strand, the complement: OCA2 is on the minus strand). VCF-style: chr15-27926233-G-A. GRCh37 (hg19) VCF-style: chr15-28171379-G-A.
Other names: c.1901C>T, p.Ala634Val (NM_001300984.2); short protein forms A658V, A634V.
Identifiers: ClinVar variation 627603 (VCV000627603.4), dbSNP rs749249918, ClinGen allele CA267867207.